The following is an entry in ClinVar:

NM_000142.5(FGFR3):c.1136A>G (p.Tyr379Cys)

Gene: FGFR3 (fibroblast growth factor receptor 3; plus strand). Cytogenetic location: 4p16.3.
Variant type: single nucleotide variant.
Coding change: c.1136A>G on transcript NM_000142.5 (MANE Select); coding-DNA position 1136, A replaced by G.
Protein change: p.Tyr379Cys; replaces tyrosine 379 with cysteine.
Molecular consequence: missense variant. On other transcripts: non-coding transcript variant (1), intron variant (1).
Genome position (GRCh38, 1-based): chr4:1,804,390, A>G. VCF-style: chr4-1804390-A-G. GRCh37 (hg19) VCF-style: chr4-1806117-A-G.
Other names: c.1142A>G, p.Tyr381Cys (NM_001163213.2); c.1136A>G, p.Tyr379Cys (NM_001354809.2, NM_001354810.2); c.931-434A>G (NM_022965.4); short protein forms Y379C, Y381C.
Identifiers: ClinVar variation 4857844 (VCV004857844.1).
Genomic context (GRCh38, chr4:1,804,390, plus strand): 5'-CCGAGGAGGAGCTGGTGGAGGCTGACGAGGCGGGCAGTGTGTATGCAGGCATCCTCAGCT[A>G]CGGGGTGGGCTTCTTCCTGTTCATCCTGGTGGTGGCGGCTGTGACGCTCTGCCGCCTGCG-3'
Protein context (NP_000133.1, residues 369-389): AGSVYAGILS[Tyr379Cys]GVGFFLFILV

ClinVar aggregate classification (germline): Uncertain significance (1 of 4 stars; one submission).

Conditions:
FGFR3-related chondrodysplasia. Identifiers: Orphanet 93420, MedGen C5681604, MONDO:0019685.

gnomAD v4.1: 3 of 1,613,072 alleles (0.00019%); highest among the groups gnomAD compares: Non-Finnish European, 0.00025%; no homozygotes.

Submission:

Genomenon, Inc
Classification: Uncertain significance for FGFR3-related chondrodysplasia. Last evaluated: 2026-06-23. Review status: criteria provided, single submitter. Criteria: Genomenon Sequence Variant Interpretation Standards - Updated. Collection method: curation. Allele origin: germline. Affected: no.
Comment: FGFR3 p.Tyr379Cys (c.1136A>G) is a missense variant that changes the amino acid at codon 379 from Tyrosine to Cysteine. This variant has been reported in the published literature (PMID:37383439). This variant is located in a mutational hotspot and/or important functional domain. It is absent or not present at a significant frequency in gnomAD. In silico models predict that this variant is possibly or probably damaging. In conclusion, we classify FGFR3 p.Tyr379Cys (c.1136A>G) as a variant of uncertain significance.

Literature cited by the submitters: PubMed 37383439.